The following is an entry in ClinVar:

ClinVar aggregate classification (germline): Uncertain significance (1 of 4 stars; one submission).

Conditions:
Cornelia de Lange syndrome 1 (CDLS1). Also called: Brachmann de Lange syndrome; NIPBL-Related Cornelia de Lange Syndrome; TYPUS DEGENERATIVUS AMSTELODAMENSIS. Identifiers: Orphanet 199, MedGen C4551851, MONDO:0007387, OMIM 122470.

Submission:

Labcorp Genetics (formerly Invitae), Labcorp
Classification: Uncertain significance for Cornelia de Lange syndrome 1. Last evaluated: 2022-11-27. Review status: criteria provided, single submitter. Criteria: Invitae Variant Classification Sherloc (09022015). Collection method: clinical testing. Allele origin: unknown.
Comment: In summary, the available evidence is currently insufficient to determine the role of this variant in disease. Therefore, it has been classified as a Variant of Uncertain Significance. This variant has not been reported in the literature in individuals affected with NIPBL-related conditions. This variant results in a copy number gain of the genomic region encompassing exon(s) 5-47 of the NIPBL gene. This region includes the termination codon of the gene. This copy number gain extends beyond the assayed region for this gene and therefore may encompass additional genes. As the precise location of this event is unknown, it may be in tandem or it may be located elsewhere in the genome.

NC_000005.9:g.(?_36961566)_(37371079_?)dup

Genes: CPLANE1 (ciliogenesis and planar polarity effector complex subunit 1; minus strand), NIPBL (NIPBL cohesin loading factor; plus strand), NUP155 (nucleoporin 155; minus strand). Cytogenetic location: 5p13.2.
Variant type: Duplication.
Identifiers: ClinVar variation 3246417 (VCV003246417.1).